The following is an entry in ClinVar:

ClinVar aggregate classification (germline): Uncertain significance. Review status: criteria provided, multiple submitters, no conflicts (2 of 4 stars). 2 submissions from 2 submitters: Uncertain significance (2). Last evaluated 2024-12-31.

Conditions:
Cardiovascular phenotype. Identifiers: MedGen CN230736.

gnomAD v4.1: 5 of 1,613,442 alleles (0.00031%); highest among the groups gnomAD compares: African/African-American, 0.0053%; no homozygotes.

Submissions (2):

Ambry Genetics
Classification: Uncertain significance for Cardiovascular phenotype. Last evaluated: 2024-12-31. Review status: criteria provided, single submitter. Criteria: Ambry Variant Classification Scheme 2023. Collection method: clinical testing. Allele origin: germline.
Comment: The p.V2325F variant (also known as c.6973G>T), located in coding exon 19 of the TNXB gene, results from a G to T substitution at nucleotide position 6973. The valine at codon 2325 is replaced by phenylalanine, an amino acid with highly similar properties. This amino acid position is conserved. In addition, this alteration is predicted to be tolerated by in silico analysis. Since supporting evidence is limited at this time, the clinical significance of this alteration remains unclear.

GeneDx
Classification: Uncertain significance. Last evaluated: 2024-09-06. Review status: criteria provided, single submitter. Criteria: GeneDx Variant Classification Process June 2021. Collection method: clinical testing. Allele origin: germline. Affected: yes.
Comment: Has not been previously published as pathogenic or benign to our knowledge; Not observed at significant frequency in large population cohorts (gnomAD); In silico analysis indicates that this missense variant does not alter protein structure/function

NM_001365276.2(TNXB):c.6973G>T (p.Val2325Phe)

Gene: TNXB (tenascin XB; minus strand). Cytogenetic location: 6p21.33.
Variant type: single nucleotide variant.
Coding change: c.6973G>T on transcript NM_001365276.2 (MANE Select); coding-DNA position 6973, G replaced by T.
Protein change: p.Val2325Phe; replaces valine 2325 with phenylalanine.
Molecular consequence: missense variant.
Genome position (GRCh38, 1-based): chr6:32,062,352, C>A on the plus strand (G>T on the coding strand, the complement: TNXB is on the minus strand). VCF-style: chr6-32062352-C-A. GRCh37 (hg19) VCF-style: chr6-32030129-C-A.
Other names: c.6973G>T, p.Val2325Phe (NM_019105.8); short protein forms V2325F.
Identifiers: ClinVar variation 1756390 (VCV001756390.4), dbSNP rs140304758, ClinGen allele CA3734281.